The following is an entry in ClinVar:

ClinVar aggregate classification (germline): Uncertain significance. Review status: criteria provided, multiple submitters, no conflicts (2 of 4 stars). 2 submissions from 2 submitters: Uncertain significance (2). Last evaluated 2025-08-18.

Conditions:
Hereditary cancer-predisposing syndrome. Also called: Hereditary Cancer Syndrome; Hereditary neoplastic syndrome; Neoplastic Syndromes, Hereditary; Tumor predisposition. Identifiers: Orphanet 140162, MedGen C0027672, MeSH D009386, MONDO:0015356.
Familial cancer of breast. Also called: BREAST CANCER, FAMILIAL; hereditary breast carcinoma; Hereditary breast cancer. Identifiers: Orphanet 227535, MedGen C0346153, MONDO:0016419, OMIM 114480. Disease mechanism: loss of function.

Allele frequency attached by ClinVar (database versions not stated): TOPMed below 0.00001.

Submissions (2):

Labcorp Genetics (formerly Invitae), Labcorp
Classification: Uncertain significance for Familial cancer of breast. Last evaluated: 2025-08-18. Review status: criteria provided, single submitter. Criteria: Invitae Variant Classification Sherloc (09022015). Collection method: clinical testing. Allele origin: germline.
Comment: This sequence change replaces serine, which is neutral and polar, with arginine, which is basic and polar, at codon 342 of the BARD1 protein (p.Ser342Arg). This variant is not present in population databases (gnomAD no frequency). This variant has not been reported in the literature in individuals affected with BARD1-related conditions. ClinVar contains an entry for this variant (Variation ID: 1769547). An algorithm developed to predict the effect of missense changes on protein structure and function outputs the following: PolyPhen-2: "Benign". The arginine amino acid residue is found in multiple mammalian species, which suggests that this missense change does not adversely affect protein function. In summary, the available evidence is currently insufficient to determine the role of this variant in disease. Therefore, it has been classified as a Variant of Uncertain Significance.

Ambry Genetics
Classification: Uncertain significance for Hereditary cancer-predisposing syndrome. Last evaluated: 2023-05-01. Review status: criteria provided, single submitter. Criteria: Ambry Variant Classification Scheme 2023. Collection method: clinical testing. Allele origin: germline.
Comment: The p.S342R variant (also known as c.1026C>A), located in coding exon 4 of the BARD1 gene, results from a C to A substitution at nucleotide position 1026. The serine at codon 342 is replaced by arginine, an amino acid with dissimilar properties. This amino acid position is not well conserved in available vertebrate species. In addition, this alteration is predicted to be tolerated by in silico analysis. Since supporting evidence is limited at this time, the clinical significance of this alteration remains unclear.

NM_000465.4(BARD1):c.1026C>A (p.Ser342Arg)

Gene: BARD1 (BRCA1 associated RING domain 1; minus strand). Cytogenetic location: 2q35.
Variant type: single nucleotide variant.
Coding change: c.1026C>A on transcript NM_000465.4 (MANE Select); coding-DNA position 1026, C replaced by A.
Protein change: p.Ser342Arg; replaces serine 342 with arginine.
Molecular consequence: missense variant. On other transcripts: non-coding transcript variant (2), intron variant (3).
Genome position (GRCh38, 1-based): chr2:214,780,848, G>T on the plus strand (C>A on the coding strand, the complement: BARD1 is on the minus strand). VCF-style: chr2-214780848-G-T. GRCh37 (hg19) VCF-style: chr2-215645572-G-T.
Other names: c.969C>A, p.Ser323Arg (NM_001282543.2); c.159-28293C>A (NM_001282548.2); c.215+16213C>A (NM_001282545.2); c.364+11449C>A (NM_001282549.2); short protein forms S323R, S342R.
Identifiers: ClinVar variation 1769547 (VCV001769547.4), dbSNP rs1694969503, ClinGen allele CA350454293.